The following is an entry in ClinVar:

ClinVar aggregate classification (germline): Pathogenic/Likely pathogenic. Review status: criteria provided, multiple submitters, no conflicts (2 of 4 stars). 3 submissions from 3 submitters: Pathogenic (1); Likely pathogenic (1). 1 of the submissions does not count toward it. Last evaluated 2023-03-14.

Conditions:
Fanconi anemia (FA). Also called: Fanconi's anemia. Identifiers: Orphanet 84, MedGen C0015625, MeSH D005199, MONDO:0019391.
Fanconi anemia complementation group A (FANCA). Also called: Fanconi anemia, group A; FANCA-Related Fanconi Anemia. Identifiers: Orphanet 84, MedGen C3469521, MONDO:0009215, OMIM 227650.

Submissions (3):

Baylor Genetics
Classification: Likely pathogenic for Fanconi anemia complementation group A. Last evaluated: 2023-03-14. Review status: criteria provided, single submitter. Criteria: ACMG Guidelines, 2015. Collection method: clinical testing. Allele origin: unknown.

Labcorp Genetics (formerly Invitae), Labcorp
Classification: Pathogenic for Fanconi anemia. Last evaluated: 2022-07-27. Review status: criteria provided, single submitter. Criteria: Invitae Variant Classification Sherloc (09022015). Collection method: clinical testing. Allele origin: germline.
Comment: For these reasons, this variant has been classified as Pathogenic. ClinVar contains an entry for this variant (Variation ID: 134273). This variant has not been reported in the literature in individuals affected with FANCA-related conditions. This variant is not present in population databases (gnomAD no frequency). This sequence change creates a premature translational stop signal (p.Leu1265*) in the FANCA gene. It is expected to result in an absent or disrupted protein product. Loss-of-function variants in FANCA are known to be pathogenic (PMID: 19367192).

ITMI
No classification provided. Condition: AllHighlyPenetrant. Last evaluated: 2013-09-19. Review status: no classification provided. Collection method: reference population. Allele origin: germline. Not counted in ClinVar's aggregate classification.
Comment: Please see associated publication for description of ethnicities

Literature cited by the submitters: PubMed 19367192 (cited by Labcorp Genetics (formerly Invitae), Labcorp); PubMed 24728327 (cited by ITMI).

NM_000135.4(FANCA):c.3792del (p.Ser1264_Leu1265insTer)

Genes: ZNF276 (zinc finger protein 276; plus strand), FANCA (FA complementation group A; minus strand). Cytogenetic location: 16q24.3.
Variant type: Deletion.
Coding change: c.3792del on transcript NM_000135.4 (MANE Select); coding-DNA position 3792, one base deleted (C; older notation c.3792delC).
Protein change: p.Ser1264_Leu1265insTer.
Molecular consequence: frameshift variant. On other transcripts: 3 prime UTR variant (2), non-coding transcript variant (4).
Genome position (GRCh38, 1-based): chr16:89,740,840, G deleted on the plus strand (C on the coding strand, the reverse complement: FANCA is on the minus strand); the first of 2 consecutive G bases (chr16:89,740,840-89,740,841); deleting either gives the same sequence. VCF-style (leftmost placement, unchanged base first): chr16-89740839-AG-A. GRCh37 (hg19) VCF-style: chr16-89807247-AG-A.
Other names: c.3792del, p.Ser1264_Leu1265insTer (NM_001286167.3); c.*2595del (NM_001113525.2, NM_152287.4).
Identifiers: ClinVar variation 134273 (VCV000134273.8), dbSNP rs587778319, ClinGen allele CA159324.